The following is an entry in ClinVar:

ClinVar aggregate classification (germline): Uncertain significance (0 of 4 stars; one submission).

Submission:

Genetic Services Laboratory, University of Chicago
Classification: Uncertain significance. Last evaluated: 2022-08-12. Review status: no assertion criteria provided. Collection method: clinical testing. Allele origin: germline. Affected: no.
Comment: DNA sequence analysis of the ANKS6 gene demonstrated a sequence change, c.1708T>G, in exon 9 that results in an amino acid change, p.Trp570Gly. This sequence change does not appear to have been previously described in individuals with ANKS6-related disorders and has also not been described in population databases such as ExAC and gnomAD. The p.Trp570Gly change affects a highly conserved amino acid residue located in a domain of the ANKS6 protein that is not known to be functional. The p.Trp570Gly substitution appears to be benign using several in-silico pathogenicity prediction tools (SIFT, PolyPhen2, Align GVGD, REVEL). Due to insufficient evidences and the lack of functional studies, the clinical significance of the p.Trp570Gly change remains unknown at this time.

NM_173551.5(ANKS6):c.1708T>G (p.Trp570Gly)

Gene: ANKS6 (ankyrin repeat and sterile alpha motif domain containing 6; minus strand). Cytogenetic location: 9q22.33.
Variant type: single nucleotide variant.
Coding change: c.1708T>G on transcript NM_173551.5 (MANE Select); coding-DNA position 1708, T replaced by G.
Protein change: p.Trp570Gly; replaces tryptophan 570 with glycine.
Molecular consequence: missense variant.
Genome position (GRCh38, 1-based): chr9:98,773,990, A>C on the plus strand (T>G on the coding strand, the complement: ANKS6 is on the minus strand). VCF-style: chr9-98773990-A-C. GRCh37 (hg19) VCF-style: chr9-101536272-A-C.
Other names: short protein forms W570G.
Identifiers: ClinVar variation 2443179 (VCV002443179.2), dbSNP rs1341791168, ClinGen allele CA374215273.
Genomic context (GRCh38, chr9:98,773,990, plus strand): 5'-GCGCAGTCTTCATGGGGTCTGCCTTCCCGTTGTGACGCGTCCGGGACCGATCAGAGCTCC[A>C]CAGCTCAAAACTGGAAGGGGGTAGGAATGGGGGGATGACTGCTTTCAGCTTGTCACTCGG-3'
Protein context (NP_775822.3, residues 560-580): PFLPPSSFEL[Trp570Gly]SSDRSRTRHN